The following is an entry in ClinVar:

ClinVar aggregate classification (germline): Benign/Likely benign. Review status: criteria provided, multiple submitters, no conflicts (2 of 4 stars). 8 submissions from 8 submitters: Benign (5); Likely benign (3). Last evaluated 2026-01-28.

Allele frequency attached by ClinVar (database versions not stated): 1000 Genomes Project 0.01238; 1000 Genomes Project 30x 0.01265; gnomAD 0.02486 and 0.02550; gnomAD exomes 0.02521 and 0.03629; TOPMed 0.02572; ExAC 0.02680; ESP Exome Variant Server 0.02976.
gnomAD v4.1: 56,457 of 1,612,638 alleles (3.5%); highest among the groups gnomAD compares: Non-Finnish European, 4.3%; 1,238 homozygotes.

Submissions (8):

Labcorp Genetics (formerly Invitae), Labcorp
Classification: Benign. Last evaluated: 2026-01-28. Review status: criteria provided, single submitter. Criteria: Invitae Variant Classification Sherloc (09022015). Collection method: clinical testing. Allele origin: germline.

Blueprint Genetics
Classification: Likely benign. Last evaluated: 2024-11-26. Review status: criteria provided, single submitter. Criteria: ACMG Guidelines, 2015. Collection method: clinical testing. Allele origin: germline.

Mayo Clinic Laboratories, Mayo Clinic
Classification: Benign. Last evaluated: 2024-06-13. Review status: criteria provided, single submitter. Criteria: ACMG Guidelines, 2015. Collection method: clinical testing. Allele origin: germline. Observed: 8 variant alleles.
Comment: BS1, BS2, BP4, BP7

GeneDx
Classification: Likely benign. Last evaluated: 2021-04-14. Review status: criteria provided, single submitter. Criteria: GeneDx Variant Classification Process June 2021. Collection method: clinical testing. Allele origin: germline. Affected: yes.

Eurofins Ntd Llc (ga)
Classification: Benign. Last evaluated: 2018-01-30. Review status: criteria provided, single submitter. Criteria: EGL Classification Definitions 2015. Collection method: clinical testing. Allele origin: germline. Observed: 26 variant alleles, 26 heterozygotes.

Athena Diagnostics
Classification: Benign. Last evaluated: 2017-06-29. Review status: criteria provided, single submitter. Criteria: Athena Diagnostics Criteria. Collection method: clinical testing. Allele origin: germline.

Genetic Services Laboratory, University of Chicago
Classification: Benign for AllHighlyPenetrant. Last evaluated: 2012-09-05. Review status: criteria provided, single submitter. Criteria: ACMG Guidelines, 2007. Collection method: clinical testing. Allele origin: germline. Inheritance: Autosomal dominant inheritance.

Breakthrough Genomics
Classification: Likely benign. Review status: criteria provided, single submitter. Criteria: ACMG Guidelines, 2015. Collection method: not provided. Allele origin: germline. Inheritance: Autosomal recessive inheritance. Affected: yes.

NM_012301.4(MAGI2):c.3915G>A (p.Gln1305=)

Gene: MAGI2 (membrane associated guanylate kinase, WW and PDZ domain containing 2; minus strand). Cytogenetic location: 7q21.11.
Variant type: single nucleotide variant.
Coding change: c.3915G>A on transcript NM_012301.4 (MANE Select); coding-DNA position 3915, G replaced by A.
Protein change: p.Gln1305=; no amino-acid change (glutamine 1305 retained).
Molecular consequence: synonymous variant.
Genome position (GRCh38, 1-based): chr7:78,019,768, C>T on the plus strand (G>A on the coding strand, the complement: MAGI2 is on the minus strand). VCF-style: chr7-78019768-C-T. GRCh37 (hg19) VCF-style: chr7-77649085-C-T.
Other names: p.Gln1305=; c.3873G>A, p.Gln1291= (NM_001301128.2).
Identifiers: ClinVar variation 95512 (VCV000095512.22), dbSNP rs117054456, ClinGen allele CA148579.
Genomic context (GRCh38, chr7:78,019,768, plus strand): 5'-CCGCGCGGCCCTCTGCGGACTCGCCGAGCGCTCCCTCTGCTCCCCGAGGCGCTGCTTCTT[C>T]TGGCCGCAGGCTGAAAGCTCCTTTGGTTTCCTAACGTCGTGTTCCCGTTTGATATCCCAA-3'
Protein context (NP_036433.2, residues 1295-1315): RKPKELSACG[Gln1305=]KKQRLGEQRE